The following is an entry in ClinVar:

NM_006892.4(DNMT3B):c.2072C>T (p.Pro691Leu)

Gene: DNMT3B (DNA methyltransferase 3 beta; plus strand). Cytogenetic location: 20q11.21.
Variant type: single nucleotide variant.
Coding change: c.2072C>T on transcript NM_006892.4 (MANE Select); coding-DNA position 2072, C replaced by T.
Protein change: p.Pro691Leu; replaces proline 691 with leucine.
Molecular consequence: missense variant.
Genome position (GRCh38, 1-based): chr20:32,801,353, C>T. VCF-style: chr20-32801353-C-T. GRCh37 (hg19) VCF-style: chr20-31389159-C-T.
Other names: c.1886C>T, p.Pro629Leu (NM_001207055.2); c.1784C>T, p.Pro595Leu (NM_001207056.2); c.2012C>T, p.Pro671Leu (NM_175848.2, NM_175849.2); c.2048C>T, p.Pro683Leu (NM_175850.3); short protein forms P595L, P629L, P691L, P683L, P671L.
Identifiers: ClinVar variation 640978 (VCV000640978.15), dbSNP rs889145646, ClinGen allele CA313155604.

ClinVar aggregate classification (germline): Uncertain significance. Review status: criteria provided, multiple submitters, no conflicts (2 of 4 stars). 4 submissions from 4 submitters: Uncertain significance (3). 1 of the submissions does not count toward it. Last evaluated 2026-03-31.

Conditions:
Facioscapulohumeral muscular dystrophy 4, digenic. Identifiers: MedGen C5561960, MONDO:0030355, OMIM 619478.
Centromeric instability of chromosomes 1,9 and 16 and immunodeficiency (ICF1). Also called: CENTROMERIC INSTABILITY, IMMUNODEFICIENCY SYNDROME; IMMUNE DEFICIENCY, VARIABLE, WITH CENTROMERIC INSTABILITY OF CHROMOSOMES 1, 9, AND 16; IMMUNODEFICIENCY SYNDROME, VARIABLE; Immunodeficiency-centromeric instability-facial anomalies. Identifiers: Orphanet 2268, MedGen C0398788, MONDO:0000133.

Allele frequency attached by ClinVar (database versions not stated): gnomAD exomes 0.00001; gnomAD 0.00001; TOPMed 0.00003.
gnomAD v4.1: 14 of 1,613,990 alleles (0.00087%); highest among the groups gnomAD compares: African/African-American, 0.0013%; no homozygotes.

Submissions (4):

Women's Health and Genetics/Laboratory Corporation of America, LabCorp
Classification: Uncertain significance. Last evaluated: 2026-03-31. Review status: criteria provided, single submitter. Criteria: LabCorp Variant Classification Summary - May 2015. Collection method: clinical testing. Allele origin: germline.
Comment: Variant summary: DNMT3B c.2072C>T (p.Pro691Leu) results in a non-conservative amino acid change in the encoded protein sequence. Algorithms developed to predict the effect of missense changes on protein structure and function all suggest that this variant is likely to be disruptive. The variant was absent in 251484 control chromosomes. The available data on variant occurrences in the general population are insufficient to allow any conclusion about variant significance. To our knowledge, no occurrence of c.2072C>T in individuals affected with DNMT3B-related conditions and no experimental evidence demonstrating its impact on protein function have been reported. The following publications have been ascertained in the context of this evaluation (PMID: 33004076, 21796119, 27153398). ClinVar contains an entry for this variant (Variation ID: 640978). Based on the evidence outlined above, the variant was classified as uncertain significance.

Labcorp Genetics (formerly Invitae), Labcorp
Classification: Uncertain significance for Centromeric instability of chromosomes 1,9 and 16 and immunodeficiency. Last evaluated: 2023-12-22. Review status: criteria provided, single submitter. Criteria: Invitae Variant Classification Sherloc (09022015). Collection method: clinical testing. Allele origin: germline.
Comment: This sequence change replaces proline, which is neutral and non-polar, with leucine, which is neutral and non-polar, at codon 691 of the DNMT3B protein (p.Pro691Leu). This variant is present in population databases (no rsID available, gnomAD 0.01%). This missense change has been observed in individual(s) with facioscapulohumeral muscular dystrophy (PMID: 27153398). ClinVar contains an entry for this variant (Variation ID: 640978). Advanced modeling of protein sequence and biophysical properties (such as structural, functional, and spatial information, amino acid conservation, physicochemical variation, residue mobility, and thermodynamic stability) performed at Invitae indicates that this missense variant is expected to disrupt DNMT3B protein function with a positive predictive value of 80%. In summary, the available evidence is currently insufficient to determine the role of this variant in disease. Therefore, it has been classified as a Variant of Uncertain Significance.

Blueprint Genetics
Classification: Uncertain significance. Last evaluated: 2019-12-31. Review status: criteria provided, single submitter. Criteria: ACMG Guidelines, 2015. Collection method: clinical testing. Allele origin: germline.

OMIM
Classification: Pathogenic for FACIOSCAPULOHUMERAL MUSCULAR DYSTROPHY 4, DIGENIC. Last evaluated: 2024-04-30. Review status: no assertion criteria provided. Collection method: literature only. Allele origin: germline. Not counted in ClinVar's aggregate classification.

Literature cited by the submitters: PubMed 33004076 (cited by Women's Health and Genetics/Laboratory Corporation of America, LabCorp); PubMed 21796119 (cited by Women's Health and Genetics/Laboratory Corporation of America, LabCorp); PubMed 27153398 (cited by 3 submitters).